The following is an entry in ClinVar:

NM_014334.4(FRRS1L):c.170C>A (p.Pro57Gln)

Gene: FRRS1L (ferric chelate reductase 1 like; minus strand). Cytogenetic location: 9q31.3.
Variant type: single nucleotide variant.
Coding change: c.170C>A on transcript NM_014334.4 (MANE Select); coding-DNA position 170, C replaced by A.
Protein change: p.Pro57Gln; replaces proline 57 with glutamine.
Molecular consequence: missense variant.
Genome position (GRCh38, 1-based): chr9:109,166,969, G>T on the plus strand (C>A on the coding strand, the complement: FRRS1L is on the minus strand). VCF-style: chr9-109166969-G-T. GRCh37 (hg19) VCF-style: chr9-111929249-G-T.
Other names: short protein forms P57Q.
Identifiers: ClinVar variation 1060838 (VCV001060838.6), dbSNP rs2118522992, ClinGen allele CA374430363.
Genomic context (GRCh38, chr9:109,166,969, plus strand): 5'-GACAGGTAGCGCAGGTCGTAGAACTCCCCCGCGAAGGTGCCGTAGGAGGAGTCGTGGCGC[G>T]GCACCGCCTCGTCGGCGCCCGTGTCCCCCCGCGCGCGTCCCCGGGGTCCCCGGCCCCCCG-3'
Protein context (NP_055149.3, residues 47-67): RGDTGADEAV[Pro57Gln]RHDSSYGTFA

ClinVar aggregate classification (germline): Uncertain significance (1 of 4 stars; one submission).

Conditions:
Developmental and epileptic encephalopathy, 37 (DEE37). Also called: Epileptic encephalopathy, early infantile, 37. Identifiers: MedGen C4310770, MONDO:0014859, OMIM 616981.

Submission:

Labcorp Genetics (formerly Invitae), Labcorp
Classification: Uncertain significance for Developmental and epileptic encephalopathy, 37. Last evaluated: 2021-09-01. Review status: criteria provided, single submitter. Criteria: Invitae Variant Classification Sherloc (09022015). Collection method: clinical testing. Allele origin: germline.
Comment: This sequence change replaces proline with glutamine at codon 108 of the FRRS1L protein (p.Pro108Gln). The proline residue is weakly conserved and there is a moderate physicochemical difference between proline and glutamine. The frequency data for this variant in the population databases is considered unreliable, as metrics indicate insufficient coverage at this position in the ExAC database. This variant has not been reported in the literature in individuals affected with FRRS1L-related conditions. Algorithms developed to predict the effect of missense changes on protein structure and function output the following: SIFT: "Tolerated"; PolyPhen-2: "Benign"; Align-GVGD: "Class C0". The glutamine amino acid residue is found in multiple mammalian species, which suggests that this missense change does not adversely affect protein function. In summary, the available evidence is currently insufficient to determine the role of this variant in disease. Therefore, it has been classified as a Variant of Uncertain Significance.